The following is an entry in ClinVar:

ClinVar aggregate classification (germline): Uncertain significance. Review status: criteria provided, multiple submitters, no conflicts (2 of 4 stars). 2 submissions from 2 submitters: Uncertain significance (2). Last evaluated 2022-02-05.

Conditions:
Autosomal recessive ataxia, Beauce type. Also called: SYNE1-Related Autosomal Recessive Cerebellar Ataxia; Spinocerebellar ataxia, autosomal recessive 8; ATAXIA, RECESSIVE, OF BEAUCE; SYNE1 Deficiency. Identifiers: Orphanet 88644, MedGen C1853116, MONDO:0012549, OMIM 610743.
Emery-Dreifuss muscular dystrophy 4, autosomal dominant (EDMD4). Also called: EMERY-DREIFUSS MUSCULAR DYSTROPHY 4 WITH VARIABLE FEATURES. Identifiers: Orphanet 261, MedGen C2751807, MONDO:0013071, OMIM 612998.

gnomAD v4.1: 3 of 1,613,828 alleles (0.00019%); highest among the groups gnomAD compares: Non-Finnish European, 0.00025%; no homozygotes.

Submissions (2):

Labcorp Genetics (formerly Invitae), Labcorp
Classification: Uncertain significance for Emery-Dreifuss muscular dystrophy 4, autosomal dominant; Autosomal recessive ataxia, Beauce type. Last evaluated: 2022-02-05. Review status: criteria provided, single submitter. Criteria: Invitae Variant Classification Sherloc (09022015). Collection method: clinical testing. Allele origin: germline.
Comment: This sequence change replaces threonine, which is neutral and polar, with isoleucine, which is neutral and non-polar, at codon 2118 of the SYNE1 protein (p.Thr2118Ile). This variant is not present in population databases (gnomAD no frequency). This missense change has been observed in individual(s) with clinical features of SYNE1-related conditions (Invitae). ClinVar contains an entry for this variant (Variation ID: 538378). Algorithms developed to predict the effect of missense changes on protein structure and function output the following: SIFT: "Tolerated"; PolyPhen-2: "Benign"; Align-GVGD: "Class C0". The isoleucine amino acid residue is found in multiple mammalian species, which suggests that this missense change does not adversely affect protein function. In summary, the available evidence is currently insufficient to determine the role of this variant in disease. Therefore, it has been classified as a Variant of Uncertain Significance.

Eurofins Ntd Llc (ga)
Classification: Uncertain significance. Last evaluated: 2018-01-12. Review status: criteria provided, single submitter. Criteria: EGL Classification Definitions 2015. Collection method: clinical testing. Allele origin: germline. Observed: 1 variant allele, 1 heterozygote.

NM_182961.4(SYNE1):c.6332C>T (p.Thr2111Ile)

Gene: SYNE1 (spectrin repeat containing nuclear envelope protein 1; minus strand). Cytogenetic location: 6q25.2.
Variant type: single nucleotide variant.
Coding change: c.6332C>T on transcript NM_182961.4 (MANE Select); coding-DNA position 6332, C replaced by T.
Protein change: p.Thr2111Ile; replaces threonine 2111 with isoleucine.
Molecular consequence: missense variant.
Genome position (GRCh38, 1-based): chr6:152,409,608, G>A on the plus strand (C>T on the coding strand, the complement: SYNE1 is on the minus strand). VCF-style: chr6-152409608-G-A. GRCh37 (hg19) VCF-style: chr6-152730743-G-A.
Other names: c.6353C>T, p.Thr2118Ile (NM_033071.5); short protein forms T2118I, T2111I.
Identifiers: ClinVar variation 538378 (VCV000538378.12), dbSNP rs760835706, ClinGen allele CA366127124.